The following is an entry in ClinVar:

ClinVar aggregate classification (germline): Uncertain significance. Review status: criteria provided, multiple submitters, no conflicts (2 of 4 stars). 2 submissions from 2 submitters: Uncertain significance (2). Last evaluated 2025-12-05.

Conditions:
Sessile serrated polyposis cancer syndrome (SSPCS). Identifiers: Orphanet 157798, MedGen C4310714, MONDO:0014919, OMIM 617108.

Submissions (2):

Labcorp Genetics (formerly Invitae), Labcorp
Classification: Uncertain significance. Last evaluated: 2025-12-05. Review status: criteria provided, single submitter. Criteria: Invitae Variant Classification Sherloc (09022015). Collection method: clinical testing. Allele origin: germline.
Comment: This sequence change replaces proline, which is neutral and non-polar, with leucine, which is neutral and non-polar, at codon 698 of the RNF43 protein (p.Pro698Leu). This variant is not present in population databases (gnomAD no frequency). This variant has not been reported in the literature in individuals affected with RNF43-related conditions. ClinVar contains an entry for this variant (Variation ID: 2678412). An algorithm developed to predict the effect of missense changes on protein structure and function (PolyPhen-2) suggests that this variant is likely to be disruptive. In summary, the available evidence is currently insufficient to determine the role of this variant in disease. Therefore, it has been classified as a Variant of Uncertain Significance.

Baylor Genetics
Classification: Uncertain significance for Sessile serrated polyposis cancer syndrome. Last evaluated: 2023-07-29. Review status: criteria provided, single submitter. Criteria: ACMG Guidelines, 2015. Collection method: clinical testing. Allele origin: unknown.

NM_017763.6(RNF43):c.2093C>T (p.Pro698Leu)

Gene: RNF43 (ring finger protein 43; minus strand). Cytogenetic location: 17q22.
Variant type: single nucleotide variant.
Coding change: c.2093C>T on transcript NM_017763.6 (MANE Select); coding-DNA position 2093, C replaced by T.
Protein change: p.Pro698Leu; replaces proline 698 with leucine.
Molecular consequence: missense variant.
Genome position (GRCh38, 1-based): chr17:58,357,683, G>A on the plus strand (C>T on the coding strand, the complement: RNF43 is on the minus strand). VCF-style: chr17-58357683-G-A. GRCh37 (hg19) VCF-style: chr17-56435044-G-A.
Other names: c.2093C>T, p.Pro698Leu (NM_001305544.3); c.1712C>T, p.Pro571Leu (NM_001305545.2); short protein forms P571L, P698L.
Identifiers: ClinVar variation 2678412 (VCV002678412.2), dbSNP rs1972718234, ClinGen allele CA400386239.